The following is an entry in ClinVar:

ClinVar aggregate classification (germline): Uncertain significance. Review status: criteria provided, multiple submitters, no conflicts (2 of 4 stars). 2 submissions from 2 submitters: Uncertain significance (2). Last evaluated 2025-12-02.

Conditions:
Inborn genetic diseases. Identifiers: MedGen C0950123, MeSH D030342.

Allele frequency attached by ClinVar (database versions not stated): ExAC 0.00003; gnomAD 0.00005; ESP Exome Variant Server 0.00008; TOPMed 0.00004; gnomAD exomes 0.00002.
gnomAD v4.1: 35 of 1,613,806 alleles (0.0022%); highest among the groups gnomAD compares: Admixed American, 0.005%; no homozygotes.

Submissions (2):

Ambry Genetics
Classification: Uncertain significance for Inborn genetic diseases. Last evaluated: 2025-12-02. Review status: criteria provided, single submitter. Criteria: Ambry Variant Classification Scheme 2023. Collection method: clinical testing. Allele origin: germline.

Labcorp Genetics (formerly Invitae), Labcorp
Classification: Uncertain significance. Last evaluated: 2022-08-22. Review status: criteria provided, single submitter. Criteria: Invitae Variant Classification Sherloc (09022015). Collection method: clinical testing. Allele origin: germline.
Comment: This sequence change replaces proline, which is neutral and non-polar, with serine, which is neutral and polar, at codon 719 of the DNAH9 protein (p.Pro719Ser). This variant is present in population databases (rs140152298, gnomAD 0.006%). This variant has not been reported in the literature in individuals affected with DNAH9-related conditions. Algorithms developed to predict the effect of missense changes on protein structure and function are either unavailable or do not agree on the potential impact of this missense change (SIFT: "Deleterious"; PolyPhen-2: "Probably Damaging"; Align-GVGD: "Class C0"). In summary, the available evidence is currently insufficient to determine the role of this variant in disease. Therefore, it has been classified as a Variant of Uncertain Significance.

NM_001372.4(DNAH9):c.2155C>T (p.Pro719Ser)

Gene: DNAH9 (dynein axonemal heavy chain 9; plus strand). Cytogenetic location: 17p12.
Variant type: single nucleotide variant.
Coding change: c.2155C>T on transcript NM_001372.4 (MANE Select); coding-DNA position 2155, C replaced by T.
Protein change: p.Pro719Ser; replaces proline 719 with serine.
Molecular consequence: missense variant.
Genome position (GRCh38, 1-based): chr17:11,651,126, C>T. VCF-style: chr17-11651126-C-T. GRCh37 (hg19) VCF-style: chr17-11554443-C-T.
Other names: c.2155C>T (NM_001372.3); short protein forms P719S.
Identifiers: ClinVar variation 2181274 (VCV002181274.2), dbSNP rs140152298, ClinGen allele CA8395114.